The following is an entry in ClinVar:

ClinVar aggregate classification (germline): Likely benign. Review status: criteria provided, multiple submitters, no conflicts (2 of 4 stars). 4 submissions from 4 submitters: Likely benign (3). 1 of the submissions does not count toward it. Last evaluated 2026-04-29.

Conditions:
TBX1-related disorder. Also called: TBX1-Related Disorders; TBX1-related condition.
Cardiovascular phenotype. Identifiers: MedGen CN230736.
DiGeorge syndrome. Also called: Catch22; THIRD AND FOURTH PHARYNGEAL POUCH SYNDROME. Identifiers: Orphanet 567, MedGen C0012236, MONDO:0008564, OMIM 188400.

Allele frequency attached by ClinVar (database versions not stated): gnomAD 0.00004 and 0.00005; ExAC 0.00006; TOPMed 0.00008.
gnomAD v4.1: 93 of 1,614,058 alleles (0.0058%); highest among the groups gnomAD compares: Admixed American, 0.05%; no homozygotes.

Submissions (4):

Women's Health and Genetics/Laboratory Corporation of America, LabCorp
Classification: Likely benign. Last evaluated: 2026-04-29. Review status: criteria provided, single submitter. Criteria: LabCorp Variant Classification Summary - May 2015. Collection method: clinical testing. Allele origin: germline.

Labcorp Genetics (formerly Invitae), Labcorp
Classification: Likely benign for DiGeorge syndrome. Last evaluated: 2025-10-14. Review status: criteria provided, single submitter. Criteria: Invitae Variant Classification Sherloc (09022015). Collection method: clinical testing. Allele origin: germline.

Ambry Genetics
Classification: Likely benign for Cardiovascular phenotype. Last evaluated: 2022-07-08. Review status: criteria provided, single submitter. Criteria: Ambry Variant Classification Scheme 2023. Collection method: clinical testing. Allele origin: germline.

PreventionGenetics, part of Exact Sciences
Classification: Likely benign for TBX1-related condition. Last evaluated: 2019-06-11. Review status: no assertion criteria provided. Collection method: clinical testing. Allele origin: germline. Not counted in ClinVar's aggregate classification.
Comment: This variant is classified as likely benign based on ACMG/AMP sequence variant interpretation guidelines (Richards et al. 2015 PMID: 25741868, with internal and published modifications).

NM_001379200.1(TBX1):c.489C>T (p.Ala163=)

Gene: TBX1 (T-box transcription factor 1; plus strand). Cytogenetic location: 22q11.21.
Variant type: single nucleotide variant.
Coding change: c.489C>T on transcript NM_001379200.1 (MANE Select); coding-DNA position 489, C replaced by T.
Protein change: p.Ala163=; no amino-acid change (alanine 163 retained).
Molecular consequence: synonymous variant.
Genome position (GRCh38, 1-based): chr22:19,763,292, C>T. VCF-style: chr22-19763292-C-T. GRCh37 (hg19) VCF-style: chr22-19750815-C-T.
Other names: c.462C>T, p.Ala154= (NM_005992.1, NM_080646.2, NM_080647.1).
Identifiers: ClinVar variation 695705 (VCV000695705.17), dbSNP rs41298816, ClinGen allele CA10102447.